The following is an entry in ClinVar:

ClinVar aggregate classification (germline): Uncertain significance (1 of 4 stars; one submission).

Allele frequency attached by ClinVar (database versions not stated): ExAC 0.00001.

Submission:

Labcorp Genetics (formerly Invitae), Labcorp
Classification: Uncertain significance. Last evaluated: 2023-11-27. Review status: criteria provided, single submitter. Criteria: Invitae Variant Classification Sherloc (09022015). Collection method: clinical testing. Allele origin: germline.
Comment: This sequence change replaces valine, which is neutral and non-polar, with methionine, which is neutral and non-polar, at codon 169 of the ICOSLG protein (p.Val169Met). This variant is present in population databases (rs775102273, gnomAD 0.0009%). This variant has not been reported in the literature in individuals affected with ICOSLG-related conditions. ClinVar contains an entry for this variant (Variation ID: 2125611). An algorithm developed to predict the effect of missense changes on protein structure and function (PolyPhen-2) suggests that this variant is likely to be disruptive. In summary, the available evidence is currently insufficient to determine the role of this variant in disease. Therefore, it has been classified as a Variant of Uncertain Significance.

NM_015259.6(ICOSLG):c.505G>A (p.Val169Met)

Gene: ICOSLG (inducible T cell costimulator ligand; minus strand). Cytogenetic location: 21q22.3.
Variant type: single nucleotide variant.
Coding change: c.505G>A on transcript NM_015259.6 (MANE Select); coding-DNA position 505, G replaced by A.
Protein change: p.Val169Met; replaces valine 169 with methionine.
Molecular consequence: missense variant.
Genome position (GRCh38, 1-based): chr21:44,235,464, C>T on the plus strand (G>A on the coding strand, the complement: ICOSLG is on the minus strand). VCF-style: chr21-44235464-C-T. GRCh37 (hg19) VCF-style: chr21-45655347-C-T.
Other names: c.505G>A, p.Val169Met (NM_001283050.2, NM_001395918.1); c.154G>A, p.Val52Met (NM_001283051.2); c.250G>A, p.Val84Met (NM_001283052.2); c.424G>A, p.Val142Met (NM_001365759.2); short protein forms V169M, V142M, V52M, V84M.
Identifiers: ClinVar variation 2125611 (VCV002125611.4), dbSNP rs775102273, ClinGen allele CA321497227.